The following is an entry in ClinVar:

ClinVar aggregate classification (germline): Uncertain significance (1 of 4 stars; one submission).

Conditions:
Schimke immuno-osseous dysplasia (SIOD). Also called: Schimke Immunoosseous Dysplasia. Identifiers: Orphanet 1830, MedGen C0877024, MONDO:0009458, OMIM 242900.

Allele frequency attached by ClinVar (database versions not stated): gnomAD exomes below 0.00001 and 0.00001; TOPMed below 0.00001.
gnomAD v4.1: 21 of 1,614,212 alleles (0.0013%); highest among the groups gnomAD compares: Non-Finnish European, 0.0018%; no homozygotes.

Submission:

Labcorp Genetics (formerly Invitae), Labcorp
Classification: Uncertain significance for Schimke immuno-osseous dysplasia. Last evaluated: 2024-02-24. Review status: criteria provided, single submitter. Criteria: Invitae Variant Classification Sherloc (09022015). Collection method: clinical testing. Allele origin: germline.
Comment: This sequence change replaces serine, which is neutral and polar, with glycine, which is neutral and non-polar, at codon 308 of the SMARCAL1 protein (p.Ser308Gly). This variant is present in population databases (no rsID available, gnomAD 0.0009%). This variant has not been reported in the literature in individuals affected with SMARCAL1-related conditions. ClinVar contains an entry for this variant (Variation ID: 532006). Advanced modeling of protein sequence and biophysical properties (such as structural, functional, and spatial information, amino acid conservation, physicochemical variation, residue mobility, and thermodynamic stability) performed at Invitae indicates that this missense variant is not expected to disrupt SMARCAL1 protein function with a negative predictive value of 80%. In summary, the available evidence is currently insufficient to determine the role of this variant in disease. Therefore, it has been classified as a Variant of Uncertain Significance.

NM_014140.4(SMARCAL1):c.922A>G (p.Ser308Gly)

Gene: SMARCAL1 (SNF2 related chromatin remodeling annealing helicase 1; plus strand). Cytogenetic location: 2q35.
Variant type: single nucleotide variant.
Coding change: c.922A>G on transcript NM_014140.4 (MANE Select); coding-DNA position 922, A replaced by G.
Protein change: p.Ser308Gly; replaces serine 308 with glycine.
Molecular consequence: missense variant.
Genome position (GRCh38, 1-based): chr2:216,420,358, A>G. VCF-style: chr2-216420358-A-G. GRCh37 (hg19) VCF-style: chr2-217285081-A-G.
Other names: c.922A>G, p.Ser308Gly (NM_001127207.2); short protein forms S308G.
Identifiers: ClinVar variation 532006 (VCV000532006.7), dbSNP rs1312214950, ClinGen allele CA350498372.